The following is an entry in ClinVar:

NM_000059.4(BRCA2):c.8331+15A>G

Gene: BRCA2 (BRCA2 DNA repair associated; plus strand). Cytogenetic location: 13q13.1.
Variant type: single nucleotide variant.
Coding change: c.8331+15A>G on transcript NM_000059.4 (MANE Select); 15 bases into the intron after coding-DNA position 8331, A replaced by G.
Molecular consequence: intron variant.
Genome position (GRCh38, 1-based): chr13:32,363,548, A>G. VCF-style: chr13-32363548-A-G. GRCh37 (hg19) VCF-style: chr13-32937685-A-G.
Identifiers: ClinVar variation 371914 (VCV000371914.11), dbSNP rs550087774, ClinGen allele CA16042143.

ClinVar aggregate classification (germline): Likely benign. Review status: criteria provided, multiple submitters, no conflicts (2 of 4 stars). 4 submissions from 4 submitters: Likely benign (3). 1 of the submissions does not count toward it. Last evaluated 2024-04-22.

Conditions:
Hereditary cancer-predisposing syndrome. Also called: Tumor predisposition; Hereditary Cancer Syndrome; Hereditary neoplastic syndrome; Neoplastic Syndromes, Hereditary. Identifiers: Orphanet 140162, MedGen C0027672, MeSH D009386, MONDO:0015356.
Hereditary breast ovarian cancer syndrome. Also called: Hereditary breast and ovarian cancer; Hereditary breast and/or ovarian cancer syndrome; Hereditary breast and ovarian cancer syndrome (HBOC); Breast and ovarian cancer; BRCA1- and BRCA2-Associated Hereditary Breast and Ovarian Cancer; Hereditary breast and ovarian cancer syndrome. Identifiers: Orphanet 145, MedGen C0677776, MeSH D061325, MONDO:0003582. Disease mechanism: loss of function.
Breast-ovarian cancer, familial, susceptibility to, 2 (BROVCA2). Also called: BRCA2 Hereditary Breast and Ovarian Cancer. Identifiers: Orphanet 145, MedGen C2675520, MONDO:0012933, OMIM 612555. Disease mechanism: loss of function.

Allele frequency attached by ClinVar (database versions not stated): gnomAD exomes 0.00001.
gnomAD v4.1: 3 of 1,601,498 alleles (0.00019%); highest among the groups gnomAD compares: Non-Finnish European, 0.00017%; no homozygotes.

Submissions (4):

Labcorp Genetics (formerly Invitae), Labcorp
Classification: Likely benign for Hereditary breast ovarian cancer syndrome. Last evaluated: 2024-04-22. Review status: criteria provided, single submitter. Criteria: Invitae Variant Classification Sherloc (09022015). Collection method: clinical testing. Allele origin: germline.

Color Diagnostics, LLC DBA Color Health
Classification: Likely benign for Hereditary cancer-predisposing syndrome. Last evaluated: 2017-01-09. Review status: criteria provided, single submitter. Criteria: ACMG Guidelines, 2015. Collection method: clinical testing. Allele origin: germline.

GeneDx
Classification: Likely benign. Last evaluated: 2016-01-29. Review status: criteria provided, single submitter. Criteria: GeneDx Variant Classification (06012015). Collection method: clinical testing. Allele origin: germline. Affected: yes.
Comment: This variant is considered likely benign or benign based on one or more of the following criteria: it is a conservative change, it occurs at a poorly conserved position in the protein, it is predicted to be benign by multiple in silico algorithms, and/or has population frequency not consistent with disease.

Counsyl
Classification: Likely benign for Breast-ovarian cancer, familial, susceptibility to, 2. Last evaluated: 2016-08-09. Review status: no assertion criteria provided. Collection method: clinical testing. Allele origin: unknown. Not counted in ClinVar's aggregate classification.